The following is an entry in ClinVar:

NC_000010.10:g.(?_103825232)_(103827559_?)dup

Gene: HPS6 (HPS6 biogenesis of lysosomal organelles complex 2 subunit 3; plus strand). Cytogenetic location: 10q24.32.
Variant type: Duplication.
Identifiers: ClinVar variation 1441424 (VCV001441424.4).

ClinVar aggregate classification (germline): Uncertain significance (1 of 4 stars; one submission).

Submission:

Labcorp Genetics (formerly Invitae), Labcorp
Classification: Uncertain significance. Last evaluated: 2022-02-05. Review status: criteria provided, single submitter. Criteria: Invitae Variant Classification Sherloc (09022015). Collection method: clinical testing. Allele origin: germline.
Comment: A copy number gain of the genomic region encompassing the full coding sequence of the HPS6 gene has been identified. The boundaries of this event are unknown as they extend beyond the assayed region for this gene and therefore may encompass additional genes. As the precise location of this event is unknown, it may be in tandem or it may be located elsewhere in the genome. This variant has not been reported in the literature in individuals affected with HPS6-related conditions. In summary, the available evidence is currently insufficient to determine the role of this variant in disease. Therefore, it has been classified as a Variant of Uncertain Significance.